The following is an entry in ClinVar:

ClinVar aggregate classification (germline): Conflicting classifications of pathogenicity. Review status: criteria provided, conflicting classifications (1 of 4 stars). 2 submissions from 2 submitters: Uncertain significance (1); Likely benign (1). Last evaluated 2025-06-29.

Conditions:
Progressive sclerosing poliodystrophy (MTDPS4A). Also called: Alpers-Huttenlocher Syndrome (AHS); Alpers Syndrome; ALPERS PROGRESSIVE INFANTILE POLIODYSTROPHY; Mitochondrial DNA depletion syndrome 4A (Alpers type); ALPERS DIFFUSE DEGENERATION OF CEREBRAL GRAY MATTER WITH HEPATIC CIRRHOSIS; Alpers-Huttenlocher Syndrome. Identifiers: Orphanet 726, MedGen C0205710, MONDO:0008758, OMIM 203700.

Submissions (2):

Labcorp Genetics (formerly Invitae), Labcorp
Classification: Uncertain significance for Progressive sclerosing poliodystrophy. Last evaluated: 2025-06-29. Review status: criteria provided, single submitter. Criteria: Invitae Variant Classification Sherloc (09022015). Collection method: clinical testing. Allele origin: germline.
Comment: This sequence change replaces valine, which is neutral and non-polar, with leucine, which is neutral and non-polar, at codon 267 of the POLG protein (p.Val267Leu). This variant is not present in population databases (gnomAD no frequency). This variant has not been reported in the literature in individuals affected with POLG-related conditions. ClinVar contains an entry for this variant (Variation ID: 619445). Invitae Evidence Modeling of protein sequence and biophysical properties (such as structural, functional, and spatial information, amino acid conservation, physicochemical variation, residue mobility, and thermodynamic stability) indicates that this missense variant is expected to disrupt POLG protein function with a positive predictive value of 95%. In summary, the available evidence is currently insufficient to determine the role of this variant in disease. Therefore, it has been classified as a Variant of Uncertain Significance.

Wong Mito Lab, Molecular and Human Genetics, Baylor College of Medicine
Classification: Likely benign for Progressive sclerosing poliodystrophy. Last evaluated: 2018-10-01. Review status: criteria provided, single submitter. Criteria: ACMG Guidelines, 2015. Collection method: clinical testing. Allele origin: germline.
Comment: The NM_002693.2:c.799G>C (NP_002684.1:p.Val267Leu) [GRCH38: NC_000015.10:g.89330137C>G] variant in POLG gene is interpretated to be a Likely Benign based on ACMG guidelines (PMID: 25741868). This variant meets the following evidence codes reported in the ACMG-guideline. BP4:Computational evidence/predictors indicate no impact on the POLG structure, function, or protein-protein interaction. BP6:Reputable source(s) without shared data suggest the variant is benign. Based on the evidence criteria codes applied, the variant is suggested to be Likely Benign.

NM_002693.3(POLG):c.799G>C (p.Val267Leu)

Gene: POLG (DNA polymerase gamma, catalytic subunit; minus strand). Cytogenetic location: 15q26.1.
Variant type: single nucleotide variant.
Coding change: c.799G>C on transcript NM_002693.3 (MANE Select); coding-DNA position 799, G replaced by C.
Protein change: p.Val267Leu; replaces valine 267 with leucine.
Molecular consequence: missense variant.
Genome position (GRCh38, 1-based): chr15:89,330,137, C>G on the plus strand (G>C on the coding strand, the complement: POLG is on the minus strand). VCF-style: chr15-89330137-C-G. GRCh37 (hg19) VCF-style: chr15-89873368-C-G.
Other names: c.799G>C, p.Val267Leu (NM_001126131.2); short protein forms V267L.
Identifiers: ClinVar variation 619445 (VCV000619445.2), dbSNP rs1567192788, ClinGen allele CA10602298.